The following is an entry in ClinVar:

ClinVar aggregate classification (germline): Uncertain significance. Review status: criteria provided, multiple submitters, no conflicts (2 of 4 stars). 4 submissions from 4 submitters: Uncertain significance (4). Last evaluated 2025-11-18.

Conditions:
Aortic aneurysm, familial thoracic 7 (AAT7). Also called: AORTIC DISSECTION, FAMILIAL, WITH OR WITHOUT AORTIC ANEURYSM. Identifiers: MedGen C3151077, MONDO:0013418, OMIM 613780.
Megacystis-microcolon-intestinal hypoperistalsis syndrome 1. Identifiers: MedGen C5542316, MONDO:0100354, OMIM 249210.
Familial thoracic aortic aneurysm and aortic dissection (TAAD). Also called: Thoracic aortic aneurysms and dissections. Identifiers: Orphanet 91387, MedGen C4707243, MONDO:0019625.

Allele frequency attached by ClinVar (database versions not stated): gnomAD exomes 0.00006 and 0.00008; gnomAD 0.00005 and 0.00001; ExAC 0.00009; 1000 Genomes Project 30x 0.00031; 1000 Genomes Project 0.00040; TOPMed 0.00002.
gnomAD v4.1: 88 of 1,614,196 alleles (0.0055%); highest among the groups gnomAD compares: South Asian, 0.043%; 2 homozygotes.

Submissions (4):

Labcorp Genetics (formerly Invitae), Labcorp
Classification: Uncertain significance for Aortic aneurysm, familial thoracic 7. Last evaluated: 2025-11-18. Review status: criteria provided, single submitter. Criteria: Invitae Variant Classification Sherloc (09022015). Collection method: clinical testing. Allele origin: germline.
Comment: This sequence change replaces glycine, which is neutral and non-polar, with serine, which is neutral and polar, at codon 790 of the MYLK protein (p.Gly790Ser). This variant is present in population databases (rs554791878, gnomAD 0.06%). This variant has not been reported in the literature in individuals affected with MYLK-related conditions. ClinVar contains an entry for this variant (Variation ID: 938249). Invitae Evidence Modeling of protein sequence and biophysical properties (such as structural, functional, and spatial information, amino acid conservation, physicochemical variation, residue mobility, and thermodynamic stability) indicates that this missense variant is not expected to disrupt MYLK protein function with a negative predictive value of 80%. In summary, the available evidence is currently insufficient to determine the role of this variant in disease. Therefore, it has been classified as a Variant of Uncertain Significance.

GeneDx
Classification: Uncertain significance. Last evaluated: 2025-01-08. Review status: criteria provided, single submitter. Criteria: GeneDx Variant Classification Process June 2021. Collection method: clinical testing. Allele origin: germline.
Comment: In silico analysis supports that this missense variant has a deleterious effect on protein structure/function; Has not been previously published as pathogenic or benign to our knowledge

Fulgent Genetics
Classification: Uncertain significance for Megacystis-microcolon-intestinal hypoperistalsis syndrome 1; Aortic aneurysm, familial thoracic 7. Last evaluated: 2021-11-16. Review status: criteria provided, single submitter. Criteria: ACMG Guidelines, 2015. Collection method: clinical testing. Allele origin: unknown.

Ambry Genetics
Classification: Uncertain significance for Familial thoracic aortic aneurysm and aortic dissection. Last evaluated: 2019-08-14. Review status: criteria provided, single submitter. Criteria: Ambry Variant Classification Scheme 2023. Collection method: clinical testing. Allele origin: germline.
Comment: The p.G790S variant (also known as c.2368G>A), located in coding exon 13 of the MYLK gene, results from a G to A substitution at nucleotide position 2368. The glycine at codon 790 is replaced by serine, an amino acid with similar properties. This amino acid position is highly conserved in available vertebrate species. In addition, this alteration is predicted to be deleterious by in silico analysis. Since supporting evidence is limited at this time, the clinical significance of this alteration remains unclear.

NM_053025.4(MYLK):c.2368G>A (p.Gly790Ser)

Gene: MYLK (myosin light chain kinase; minus strand). Cytogenetic location: 3q21.1.
Variant type: single nucleotide variant.
Coding change: c.2368G>A on transcript NM_053025.4 (MANE Select); coding-DNA position 2368, G replaced by A.
Protein change: p.Gly790Ser; replaces glycine 790 with serine.
Molecular consequence: missense variant.
Genome position (GRCh38, 1-based): chr3:123,707,776, C>T on the plus strand (G>A on the coding strand, the complement: MYLK is on the minus strand). VCF-style: chr3-123707776-C-T. GRCh37 (hg19) VCF-style: chr3-123426623-C-T.
Other names: c.1840G>A, p.Gly614Ser (NM_001321309.2); c.2161G>A, p.Gly721Ser (NM_053026.4, NM_053028.4); c.2368G>A, p.Gly790Ser (NM_053027.4); short protein forms G721S, G790S, G614S.
Identifiers: ClinVar variation 938249 (VCV000938249.14), dbSNP rs554791878, ClinGen allele CA068438.
Genomic context (GRCh38, chr3:123,707,776, plus strand): 5'-GAAGGGTTAAGGGAGGCTGGCTGGACATGCAGACTCACTTGAGCAGGATCTCATACTGGC[C>T]GGCATGCCAGGGCTGCACCTTCTTTAGAACCAGGGTGAACACGTCCTCATTCTGAAGCAC-3'
Protein context (NP_444253.3, residues 780-800): VLKKVQPWHA[Gly790Ser]QYEILLKNRV